The following is an entry in ClinVar:

NM_004360.5(CDH1):c.1960C>G (p.Pro654Ala)

Gene: CDH1 (cadherin 1; plus strand). Cytogenetic location: 16q22.1.
Variant type: single nucleotide variant.
Coding change: c.1960C>G on transcript NM_004360.5 (MANE Select); coding-DNA position 1960, C replaced by G.
Protein change: p.Pro654Ala; replaces proline 654 with alanine.
Molecular consequence: missense variant. On other transcripts: 5 prime UTR variant (1).
Genome position (GRCh38, 1-based): chr16:68,823,422, C>G. VCF-style: chr16-68823422-C-G. GRCh37 (hg19) VCF-style: chr16-68857325-C-G.
Other names: c.1777C>G, p.Pro593Ala (NM_001317184.2); c.412C>G, p.Pro138Ala (NM_001317185.2); c.-6C>G (NM_001317186.2); short protein forms P654A, P138A, P593A.
Identifiers: ClinVar variation 1783421 (VCV001783421.2), dbSNP rs2152139271, ClinGen allele CA396467549.

ClinVar aggregate classification (germline): Uncertain significance (1 of 4 stars; one submission).

Conditions:
Hereditary cancer-predisposing syndrome. Also called: Neoplastic Syndromes, Hereditary; Tumor predisposition; Hereditary Cancer Syndrome; Hereditary neoplastic syndrome. Identifiers: Orphanet 140162, MedGen C0027672, MeSH D009386, MONDO:0015356.

gnomAD v4.1: 1 of 1,613,288 alleles (0.000062%); highest among the groups gnomAD compares: Non-Finnish European, 0.000085%; no homozygotes.

Submission:

Ambry Genetics
Classification: Uncertain significance for Hereditary cancer-predisposing syndrome. Last evaluated: 2022-09-04. Review status: criteria provided, single submitter. Criteria: Ambry Variant Classification Scheme 2023. Collection method: clinical testing. Allele origin: germline.
Comment: The p.P654A variant (also known as c.1960C>G), located in coding exon 13 of the CDH1 gene, results from a C to G substitution at nucleotide position 1960. The proline at codon 654 is replaced by alanine, an amino acid with highly similar properties. This amino acid position is conserved. In addition, this alteration is predicted to be tolerated by in silico analysis. Since supporting evidence is limited at this time, the clinical significance of this alteration remains unclear.